The following is an entry in ClinVar:

ClinVar aggregate classification (germline): Uncertain significance (1 of 4 stars; one submission).

Allele frequency attached by ClinVar (database versions not stated): ExAC 0.00001; gnomAD 0.00001; TOPMed 0.00001.
gnomAD v4.1: 1 of 1,614,142 alleles (0.000062%); highest among the groups gnomAD compares: African/African-American, 0.0013%; no homozygotes.

Submission:

Labcorp Genetics (formerly Invitae), Labcorp
Classification: Uncertain significance. Last evaluated: 2022-04-10. Review status: criteria provided, single submitter. Criteria: Invitae Variant Classification Sherloc (09022015). Collection method: clinical testing. Allele origin: germline.
Comment: In summary, the available evidence is currently insufficient to determine the role of this variant in disease. Therefore, it has been classified as a Variant of Uncertain Significance. Algorithms developed to predict the effect of sequence changes on RNA splicing suggest that this variant may create or strengthen a splice site. This sequence change affects codon 1560 of the DSCAML1 mRNA. It is a 'silent' change, meaning that it does not change the encoded amino acid sequence of the DSCAML1 protein. This variant is present in population databases (rs757382042, gnomAD 0.003%). This variant has not been reported in the literature in individuals affected with DSCAML1-related conditions.

NM_020693.4(DSCAML1):c.4498C>T (p.Leu1500=)

Gene: DSCAML1 (DS cell adhesion molecule like 1; minus strand). Cytogenetic location: 11q23.3.
Variant type: single nucleotide variant.
Coding change: c.4498C>T on transcript NM_020693.4 (MANE Select); coding-DNA position 4498, C replaced by T.
Protein change: p.Leu1500=; no amino-acid change (leucine 1500 retained).
Molecular consequence: synonymous variant.
Genome position (GRCh38, 1-based): chr11:117,437,344, G>A on the plus strand (C>T on the coding strand, the complement: DSCAML1 is on the minus strand). VCF-style: chr11-117437344-G-A. GRCh37 (hg19) VCF-style: chr11-117308060-G-A.
Identifiers: ClinVar variation 2124177 (VCV002124177.4), dbSNP rs757382042, ClinGen allele CA6296350.